The following is an entry in ClinVar:

ClinVar aggregate classification (germline): Likely pathogenic (1 of 4 stars; one submission).

Conditions:
Deficiency of alpha-mannosidase (MANSA). Also called: LYSOSOMAL ALPHA-D-MANNOSIDASE DEFICIENCY; Alpha-Mannosidosis; Mannosidosis, alpha-, types I and II. Identifiers: Orphanet 61, MedGen C0024748, MONDO:0009561, OMIM 248500.

Submission:

Labcorp Genetics (formerly Invitae), Labcorp
Classification: Likely pathogenic for Deficiency of alpha-mannosidase. Last evaluated: 2022-09-13. Review status: criteria provided, single submitter. Criteria: Invitae Variant Classification Sherloc (09022015). Collection method: clinical testing. Allele origin: germline.
Comment: This variant results in a copy number gain of the genomic region encompassing exon(s) 17-18 of the MAN2B1 gene. While the exact position of this variant cannot be determined from the data, sub-genic copy number gains are generally in tandem (PMID: 25640679). This variant is predicted to be out-of-frame, and may result in an absent or disrupted protein product. Loss-of-function variants in MAN2B1 are known to be pathogenic (PMID: 9915946, 22161967). This variant has not been reported in the literature in individuals affected with MAN2B1-related conditions. In summary, the currently available evidence indicates that the variant is pathogenic, but additional data are needed to prove that conclusively. Therefore, this variant has been classified as Likely Pathogenic.

Literature cited by the submitters: PubMed 25640679; PubMed 9915946; PubMed 22161967.

NC_000019.9:g.(?_12760717)_(12761046_?)dup

Gene: MAN2B1 (mannosidase alpha class 2B member 1; minus strand). Cytogenetic location: 19p13.2.
Variant type: Duplication.
Identifiers: ClinVar variation 2423231 (VCV002423231.3).